The following is an entry in ClinVar:

ClinVar aggregate classification (germline): Benign. Review status: criteria provided, multiple submitters, no conflicts (2 of 4 stars). 2 submissions from 2 submitters: Benign (2). Last evaluated 2018-06-14.

Allele frequency attached by ClinVar (database versions not stated): gnomAD exomes 0.00357; gnomAD 0.03372 and 0.03632; 1000 Genomes Project 0.03574; 1000 Genomes Project 30x 0.03701; TOPMed 0.03799.
gnomAD v4.1: 6,944 of 633,788 alleles (1.1%); highest among the groups gnomAD compares: African/African-American, 12%; 373 homozygotes.

Submissions (2):

GeneDx
Classification: Benign. Last evaluated: 2018-06-14. Review status: criteria provided, single submitter. Criteria: GeneDx Variant Classification (06012015). Collection method: clinical testing. Allele origin: germline. Affected: yes.
Comment: This variant is considered likely benign or benign based on one or more of the following criteria: it is a conservative change, it occurs at a poorly conserved position in the protein, it is predicted to be benign by multiple in silico algorithms, and/or has population frequency not consistent with disease.

Breakthrough Genomics
Classification: Benign. Review status: criteria provided, single submitter. Criteria: ACMG Guidelines, 2015. Collection method: not provided. Allele origin: germline. Inheritance: Autosomal recessive inheritance. Affected: yes.

NM_001330078.2(NRXN1):c.1320+147T>C

Gene: NRXN1 (neurexin 1; minus strand). Cytogenetic location: 2p16.3.
Variant type: single nucleotide variant.
Coding change: c.1320+147T>C on transcript NM_001330078.2 (MANE Select); 147 bases into the intron after coding-DNA position 1320, T replaced by C.
Molecular consequence: intron variant.
Genome position (GRCh38, 1-based): chr2:50,619,875, A>G on the plus strand (T>C on the coding strand, the complement: NRXN1 is on the minus strand). VCF-style: chr2-50619875-A-G. GRCh37 (hg19) VCF-style: chr2-50847013-A-G.
Other names: c.1236+147T>C (NM_001330096.2, NM_001330087.2); c.1281+147T>C (NM_001330083.2, NM_001330084.2); c.1266+147T>C (NM_001330088.2); c.1317+147T>C (NM_001330093.2); c.1308+147T>C (NM_001330094.2); c.1296+147T>C (NM_001330095.2, NM_001330082.2, NM_001330077.2); c.1320+147T>C (NM_001330085.2, NM_004801.6, NM_001330086.2); c.1440+147T>C (NM_001135659.3).
Identifiers: ClinVar variation 673024 (VCV000673024.2), dbSNP rs72885621, ClinGen allele CA47954254.
Genomic context (GRCh38, chr2:50,619,875, plus strand): 5'-CTAATAAAGAAGAGGAACCTAATTCCTTCATAATGATCTATGAGCTGTTTCCCTCCCCCA[A>G]TCCTACATAAACAATAGTAGAATATTGAATTTAAAGTTGTGCCGTTTGACTCTGGAACAT-3'